The following is an entry in ClinVar:

NM_020964.3(EPG5):c.5273A>G (p.Asn1758Ser)

Gene: EPG5 (ectopic P-granules 5 autophagy tethering factor; minus strand). Cytogenetic location: 18q12.3.
Variant type: single nucleotide variant.
Coding change: c.5273A>G on transcript NM_020964.3 (MANE Select); coding-DNA position 5273, A replaced by G.
Protein change: p.Asn1758Ser; replaces asparagine 1758 with serine.
Molecular consequence: missense variant.
Genome position (GRCh38, 1-based): chr18:45,884,648, T>C on the plus strand (A>G on the coding strand, the complement: EPG5 is on the minus strand). VCF-style: chr18-45884648-T-C. GRCh37 (hg19) VCF-style: chr18-43464613-T-C.
Other names: short protein forms N1758S.
Identifiers: ClinVar variation 779597 (VCV000779597.13), dbSNP rs143519809, ClinGen allele CA8948634.

ClinVar aggregate classification (germline): Likely benign. Review status: criteria provided, multiple submitters, no conflicts (2 of 4 stars). 3 submissions from 3 submitters: Likely benign (3). Last evaluated 2025-08-24.

Conditions:
Vici syndrome (VICIS). Identifiers: Orphanet 1493, MedGen C1855772, MONDO:0009452, OMIM 242840.
EPG5-related disorder. Also called: EPG5-related condition. Identifiers: MedGen CN381528.

Allele frequency attached by ClinVar (database versions not stated): gnomAD exomes 0.00031 and 0.00014; 1000 Genomes Project 30x 0.00094; 1000 Genomes Project 0.00120; gnomAD 0.00001 and 0.00011; TOPMed 0.00004; ExAC 0.00019.
gnomAD v4.1: 450 of 1,608,932 alleles (0.028%); highest among the groups gnomAD compares: East Asian, 0.96%; 4 homozygotes.

Submissions (3):

Labcorp Genetics (formerly Invitae), Labcorp
Classification: Likely benign for Vici syndrome. Last evaluated: 2025-08-24. Review status: criteria provided, single submitter. Criteria: Invitae Variant Classification Sherloc (09022015). Collection method: clinical testing. Allele origin: germline.

PreventionGenetics, part of Exact Sciences
Classification: Likely benign for EPG5-related condition. Last evaluated: 2025-02-26. Review status: criteria provided, single submitter. Criteria: ACMG Guidelines, 2015. Collection method: clinical testing. Allele origin: germline.
Comment: This variant is classified as likely benign based on ACMG/AMP sequence variant interpretation guidelines (Richards et al. 2015 PMID: 25741868, with internal and published modifications).

Blueprint Genetics
Classification: Likely benign. Last evaluated: 2024-05-17. Review status: criteria provided, single submitter. Criteria: ACMG Guidelines, 2015. Collection method: clinical testing. Allele origin: germline.